The following is an entry in ClinVar:

ClinVar aggregate classification (germline): Conflicting classifications of pathogenicity. Review status: criteria provided, conflicting classifications (1 of 4 stars). 3 submissions from 3 submitters: Uncertain significance (1); Benign (1); Likely benign (1). Last evaluated 2025-03-11.

Conditions:
Hereditary diffuse gastric adenocarcinoma (HDGC). Also called: DIFFUSE GASTRIC AND LOBULAR BREAST CANCER SYNDROME. Identifiers: Orphanet 26106, MedGen C1708349, MONDO:0007648, OMIM 137215.

Submissions (3):

Quest Diagnostics Nichols Institute San Juan Capistrano
Classification: Uncertain significance. Last evaluated: 2025-03-11. Review status: criteria provided, single submitter. Criteria: Quest Diagnostics criteria. Collection method: clinical testing. Allele origin: unknown.
Comment: The CDH1 c.1566-7del variant has not been reported in individuals with CDH1-related conditions in the published literature. The frequency of this variant in the general population (Genome Aggregation Database) is uninformative in the assessment of its pathogenicity. Analysis of this variant using software algorithms for the prediction of the effect of nucleotide changes on splicing yielded predictions that this variant does not affect CDH1 mRNA splicing. Based on the available information, we are unable to determine the clinical significance of this variant.

Myriad Genetics, Inc.
Classification: Likely benign for Hereditary diffuse gastric adenocarcinoma. Last evaluated: 2024-09-19. Review status: criteria provided, single submitter. Criteria: Myriad Autosomal Dominant, Autosomal Recessive and X-Linked Classification Criteria (2023). Collection method: clinical testing. Allele origin: unknown.
Comment: This variant is considered likely benign. This variant is intronic and is not expected to impact mRNA splicing.

Labcorp Genetics (formerly Invitae), Labcorp
Classification: Benign for Hereditary diffuse gastric adenocarcinoma. Last evaluated: 2023-04-12. Review status: criteria provided, single submitter. Criteria: Invitae Variant Classification Sherloc (09022015). Collection method: clinical testing. Allele origin: germline.

NM_004360.5(CDH1):c.1566-7del

Gene: CDH1 (cadherin 1; plus strand). Cytogenetic location: 16q22.1.
Variant type: Deletion.
Coding change: c.1566-7del on transcript NM_004360.5 (MANE Select); 7 bases into the intron before coding-DNA position 1566, one base deleted (C; older notation c.1566-7delC).
Molecular consequence: intron variant.
Genome position (GRCh38, 1-based): chr16:68,819,273, C deleted; the last of 4 consecutive C bases (chr16:68,819,270-68,819,273); deleting any one gives the same sequence. VCF-style (leftmost placement, unchanged base first): chr16-68819269-TC-T. GRCh37 (hg19) VCF-style: chr16-68853172-TC-T.
Other names: c.18-7del (NM_001317185.2); c.-254-2728del (NM_001317186.2); c.1383-7del (NM_001317184.2); c.1566-7del (NM_004360.4).
Identifiers: ClinVar variation 2853549 (VCV002853549.5), dbSNP rs1216887221, ClinGen allele CA623137076.